The following is an entry in ClinVar:

ClinVar aggregate classification (germline): Likely benign. Review status: criteria provided, multiple submitters, no conflicts (2 of 4 stars). 2 submissions from 2 submitters: Likely benign (2). Last evaluated 2026-02-01.

Conditions:
Inborn genetic diseases. Identifiers: MedGen C0950123, MeSH D030342.

gnomAD v4.1: 95 of 1,612,302 alleles (0.0059%); highest among the groups gnomAD compares: Non-Finnish European, 0.0073%; no homozygotes.

Submissions (2):

CeGaT Center for Human Genetics Tuebingen
Classification: Likely benign. Last evaluated: 2026-02-01. Review status: criteria provided, single submitter. Criteria: CeGaT Center For Human Genetics Tuebingen Variant Classification Criteria Version 2. Collection method: clinical testing. Allele origin: germline. Affected: yes. Observed: 1 variant allele.
Comment: RFX7: BP4

Ambry Genetics
Classification: Likely benign for Inborn genetic diseases. Last evaluated: 2024-11-25. Review status: criteria provided, single submitter. Criteria: Ambry Variant Classification Scheme 2023. Collection method: clinical testing. Allele origin: germline.

NM_022841.7(RFX7):c.1273G>A (p.Ala425Thr)

Gene: RFX7 (regulatory factor X7; minus strand). Cytogenetic location: 15q21.3.
Variant type: single nucleotide variant.
Coding change: c.1273G>A on transcript NM_022841.7 (MANE Select); coding-DNA position 1273, G replaced by A.
Protein change: p.Ala425Thr; replaces alanine 425 with threonine.
Molecular consequence: missense variant.
Genome position (GRCh38, 1-based): chr15:56,096,455, C>T on the plus strand (G>A on the coding strand, the complement: RFX7 is on the minus strand). VCF-style: chr15-56096455-C-T. GRCh37 (hg19) VCF-style: chr15-56388653-C-T.
Other names: c.982G>A, p.Ala328Thr (NM_001368073.2, NM_001368074.1, NM_001370554.1); c.1273G>A, p.Ala425Thr (NM_001370561.1); short protein forms A425T, A328T.
Identifiers: ClinVar variation 3432633 (VCV003432633.5).
Genomic context (GRCh38, chr15:56,096,455, plus strand): 5'-GAATGGTGAGTGCACTGGTGTTCGCTGGTTTGGGTAAGATCTGAGGGTAACGGTGCCGGG[C>T]AGAACGATCCCCACCAGGACTGGCTGGAACGTTCTGGGGAGTCTTTGGTGCCTGTTTCAC-3'
Protein context (NP_073752.6, residues 415-435): VPASPGGDRS[Ala425Thr]RHRYPQILPK